The following is an entry in ClinVar:

ClinVar aggregate classification (germline): Uncertain significance. Review status: criteria provided, multiple submitters, no conflicts (2 of 4 stars). 2 submissions from 2 submitters: Uncertain significance (2). Last evaluated 2024-11-25.

Conditions:
Hypercholesterolemia, autosomal dominant, 3 (FHCL3). Also called: Familial Hypercholesterolemia, Autosomal Dominant, 3; PCSK9-Related Familial Hypercholesterolemia, Autosomal Dominant; Familial hypercholesterolemia 3. Identifiers: MedGen C1863551, MONDO:0011369, OMIM 603776.
Familial hypercholesterolemia. Also called: Familial hypercholesterolemias; Familial hypercholesterolaemia. Identifiers: MedGen C0020445, MONDO:0005439.

Allele frequency attached by ClinVar (database versions not stated): TOPMed below 0.00001.
gnomAD v4.1: 2 of 1,613,430 alleles (0.00012%); no homozygotes.

Submissions (2):

Color Diagnostics, LLC DBA Color Health
Classification: Uncertain significance for Familial hypercholesterolemia. Last evaluated: 2024-11-25. Review status: criteria provided, single submitter. Criteria: ACMG Guidelines, 2015. Collection method: clinical testing. Allele origin: germline.
Comment: This missense variant replaces aspartic acid with tyrosine at codon 175 of the PCSK9 protein. Computational prediction suggests that this variant may not impact protein structure and function. To our knowledge, functional studies have not been reported for this variant. This variant has not been reported in individuals affected with PCSK9-related disorders in the literature. This variant has not been identified in the general population by the Genome Aggregation Database (gnomAD). The available evidence is insufficient to determine the role of this variant in disease conclusively. Therefore, this variant is classified as a Variant of Uncertain Significance.

All of Us Research Program, National Institutes of Health
Classification: Uncertain significance for Hypercholesterolemia, autosomal dominant, 3. Last evaluated: 2023-11-20. Review status: criteria provided, single submitter. Criteria: ACMG Guidelines, 2015. Collection method: clinical testing. Allele origin: germline. Inheritance: Autosomal dominant inheritance. Observed: 1 variant allele, 1 heterozygote.
Comment: This missense variant replaces aspartic acid with tyrosine at codon 175 of the PCSK9 protein. Computational prediction suggests that this variant may not impact protein structure and function (internally defined REVEL score threshold <= 0.5, PMID: 27666373). To our knowledge, functional studies have not been reported for this variant. This variant has not been reported in individuals affected with PCSK9-related disorders in the literature. This variant has not been identified in the general population by the Genome Aggregation Database (gnomAD). The available evidence is insufficient to determine the role of this variant in disease conclusively. Therefore, this variant is classified as a Variant of Uncertain Significance.

This study involves interpretation of variants in research participants for the purpose of population health screening. Participant phenotype was not available at the time of variant classification. Additional details can be found in publication PMID: 35346344, PMCID: PMC8962531

NM_174936.4(PCSK9):c.523G>T (p.Asp175Tyr)

Gene: PCSK9 (proprotein convertase subtilisin/kexin type 9; plus strand). Cytogenetic location: 1p32.3.
Variant type: single nucleotide variant.
Coding change: c.523G>T on transcript NM_174936.4 (MANE Select); coding-DNA position 523, G replaced by T.
Protein change: p.Asp175Tyr; replaces aspartic acid 175 with tyrosine.
Molecular consequence: missense variant. On other transcripts: non-coding transcript variant (6).
Genome position (GRCh38, 1-based): chr1:55,046,646, G>T. VCF-style: chr1-55046646-G-T. GRCh37 (hg19) VCF-style: chr1-55512319-G-T.
Other names: c.646G>T, p.Asp216Tyr (NM_001407240.1); c.523G>T, p.Asp175Tyr (NM_001407241.1, NM_001407242.1, NM_001407244.1 and 1 more transcripts); c.466G>T, p.Asp156Tyr (NM_001407243.1); c.331G>T, p.Asp111Tyr (NM_001407245.1); c.148G>T, p.Asp50Tyr (NM_001407246.1); short protein forms D111Y, D156Y, D175Y, D216Y, D50Y.
Identifiers: ClinVar variation 3074488 (VCV003074488.2), dbSNP rs150898485, ClinGen allele CA340484876.